The following is an entry in ClinVar:

ClinVar aggregate classification (germline): Uncertain significance (1 of 4 stars; one submission).

gnomAD v4.1: 51 of 1,614,038 alleles (0.0032%); highest among the groups gnomAD compares: Non-Finnish European, 0.0039%; no homozygotes.

Submission:

Labcorp Genetics (formerly Invitae), Labcorp
Classification: Uncertain significance. Last evaluated: 2025-10-19. Review status: criteria provided, single submitter. Criteria: Invitae Variant Classification Sherloc (09022015). Collection method: clinical testing. Allele origin: germline.
Comment: This sequence change replaces arginine, which is basic and polar, with histidine, which is basic and polar, at codon 376 of the SLC36A2 protein (p.Arg376His). This variant is present in population databases (rs781223714, gnomAD 0.0009%). This variant has not been reported in the literature in individuals affected with SLC36A2-related conditions. Invitae Evidence Modeling of protein sequence and biophysical properties (such as structural, functional, and spatial information, amino acid conservation, physicochemical variation, residue mobility, and thermodynamic stability) indicates that this missense variant is not expected to disrupt SLC36A2 protein function with a negative predictive value of 80%. In summary, the available evidence is currently insufficient to determine the role of this variant in disease. Therefore, it has been classified as a Variant of Uncertain Significance.

NM_181776.3(SLC36A2):c.1127G>A (p.Arg376His)

Gene: SLC36A2 (solute carrier family 36 member 2; minus strand). Cytogenetic location: 5q33.1.
Variant type: single nucleotide variant.
Coding change: c.1127G>A on transcript NM_181776.3 (MANE Select); coding-DNA position 1127, G replaced by A.
Protein change: p.Arg376His; replaces arginine 376 with histidine.
Molecular consequence: missense variant.
Genome position (GRCh38, 1-based): chr5:151,322,099, C>T on the plus strand (G>A on the coding strand, the complement: SLC36A2 is on the minus strand). VCF-style: chr5-151322099-C-T. GRCh37 (hg19) VCF-style: chr5-150701660-C-T.
Other names: short protein forms R376H.
Identifiers: ClinVar variation 4748499 (VCV004748499.1).